The following is an entry in ClinVar:

NM_005589.4(ALDH6A1):c.*494A>T

Genes: BBOF1 (basal body orientation factor 1; plus strand), ALDH6A1 (aldehyde dehydrogenase 6 family member A1; minus strand). Cytogenetic location: 14q24.3.
Variant type: single nucleotide variant.
Coding change: c.*494A>T on transcript NM_005589.4 (MANE Select); 494 bases downstream of the stop codon, A replaced by T.
Molecular consequence: 3 prime UTR variant. On other transcripts: intron variant (1).
Genome position (GRCh38, 1-based): chr14:74,060,148, T>A on the plus strand (A>T on the coding strand, the complement: ALDH6A1 is on the minus strand). VCF-style: chr14-74060148-T-A. GRCh37 (hg19) VCF-style: chr14-74526851-T-A.
Other names: c.*494A>T (NM_001278593.2, NM_001278594.2); c.1578+2890T>A (NM_025057.3).
Identifiers: ClinVar variation 884945 (VCV000884945.5), dbSNP rs77324906, ClinGen allele CA14026862.
Genomic context (GRCh38, chr14:74,060,148, plus strand): 5'-TGTCCTGTTTCCCCATCTAAGAGTTCTTCTTGCAATTATTGGAACATCTTCTTTAAAAAA[T>A]TTTTTTTCCCTTTTCTTTTTTTACTTTTTCAATTTTTTTAAATAATAGATACGGGGTTTC-3'

ClinVar aggregate classification (germline): Benign. Review status: criteria provided, multiple submitters, no conflicts (2 of 4 stars). 2 submissions from 2 submitters: Benign (2). Last evaluated 2018-01-13.

Conditions:
Methylmalonate semialdehyde dehydrogenase deficiency (MMSDHD). Also called: MMSDH DEFICIENCY. Identifiers: Orphanet 289307, MedGen C3279840, MONDO:0013579, OMIM 614105.

Allele frequency attached by ClinVar (database versions not stated): gnomAD 0.05972 and 0.06872; TOPMed 0.06461; gnomAD exomes 0.06541; 1000 Genomes Project 0.12560.
gnomAD v4.1: 10,827 of 157,454 alleles (6.9%); highest among the groups gnomAD compares: South Asian, 25%; 576 homozygotes.

Submissions (2):

Illumina Laboratory Services, Illumina
Classification: Benign for Methylmalonate semialdehyde dehydrogenase deficiency. Last evaluated: 2018-01-13. Review status: criteria provided, single submitter. Criteria: ICSL Variant Classification Criteria 13 December 2019. Collection method: clinical testing. Allele origin: germline.
Comment: This variant was observed in the ICSL laboratory as part of a predisposition screen in an ostensibly healthy population. It had not been previously curated by ICSL or reported in the Human Gene Mutation Database (HGMD: prior to June 1st, 2018), and was therefore a candidate for classification through an automated scoring system. Utilizing variant allele frequency, disease prevalence and penetrance estimates, and inheritance mode, an automated score was calculated to assess if this variant is too frequent to cause the disease. Based on the score and internal cut-off values, a variant classified as benign is not then subjected to further curation. The score for this variant resulted in a classification of benign for this disease.

Breakthrough Genomics
Classification: Benign. Review status: criteria provided, single submitter. Criteria: ACMG Guidelines, 2015. Collection method: not provided. Allele origin: germline. Inheritance: Autosomal recessive inheritance. Affected: yes.